The following is an entry in ClinVar:

ClinVar aggregate classification (germline): Conflicting classifications of pathogenicity. Review status: criteria provided, conflicting classifications (1 of 4 stars). 2 submissions from 2 submitters: Uncertain significance (1); Likely benign (1). Last evaluated 2025-12-16.

Conditions:
Inborn genetic diseases. Identifiers: MedGen C0950123, MeSH D030342.

Allele frequency attached by ClinVar (database versions not stated): ESP Exome Variant Server 0.00008; gnomAD exomes 0.00001; 1000 Genomes Project 30x 0.00016; ExAC 0.00003; gnomAD 0.00005; TOPMed 0.00007; 1000 Genomes Project 0.00020.

Submissions (2):

Labcorp Genetics (formerly Invitae), Labcorp
Classification: Uncertain significance. Last evaluated: 2025-12-16. Review status: criteria provided, single submitter. Criteria: Invitae Variant Classification Sherloc (09022015). Collection method: clinical testing. Allele origin: germline.
Comment: This sequence change replaces threonine, which is neutral and polar, with alanine, which is neutral and non-polar, at codon 4 of the MBD4 protein (p.Thr4Ala). This variant is present in population databases (rs150778761, gnomAD 0.01%). This variant has not been reported in the literature in individuals affected with MBD4-related conditions. ClinVar contains an entry for this variant (Variation ID: 3014927). An algorithm developed to predict the effect of missense changes on protein structure and function outputs the following: PolyPhen-2: "Benign". The alanine amino acid residue is found in multiple mammalian species, which suggests that this missense change does not adversely affect protein function. In summary, the available evidence is currently insufficient to determine the role of this variant in disease. Therefore, it has been classified as a Variant of Uncertain Significance.

Ambry Genetics
Classification: Likely benign for Inborn genetic diseases. Last evaluated: 2024-09-13. Review status: criteria provided, single submitter. Criteria: Ambry Variant Classification Scheme 2023. Collection method: clinical testing. Allele origin: germline.

NM_001276270.2(MBD4):c.10A>G (p.Thr4Ala)

Genes: MBD4 (methyl-CpG binding domain 4, DNA glycosylase; minus strand), LOC129937550 (ATAC-STARR-seq lymphoblastoid active region 20512; plus strand). Cytogenetic location: 3q21.3.
Variant type: single nucleotide variant.
Coding change: c.10A>G on transcript NM_001276270.2 (MANE Select); coding-DNA position 10, A replaced by G.
Protein change: p.Thr4Ala; replaces threonine 4 with alanine.
Molecular consequence: missense variant.
Genome position (GRCh38, 1-based): chr3:129,439,824, T>C on the plus strand (A>G on the coding strand, the complement: MBD4 is on the minus strand). VCF-style: chr3-129439824-T-C. GRCh37 (hg19) VCF-style: chr3-129158667-T-C.
Other names: c.10A>G, p.Thr4Ala (NM_001276271.2, NM_001276272.2, NM_001276273.2 and 1 more transcripts); short protein forms T4A.
Identifiers: ClinVar variation 3014927 (VCV003014927.4), dbSNP rs150778761, ClinGen allele CA2605634.